The following is an entry in ClinVar:

ClinVar aggregate classification (germline): Uncertain significance (1 of 4 stars; one submission).

Conditions:
Hereditary cancer-predisposing syndrome. Also called: Hereditary Cancer Syndrome; Hereditary neoplastic syndrome; Tumor predisposition; Neoplastic Syndromes, Hereditary. Identifiers: Orphanet 140162, MedGen C0027672, MeSH D009386, MONDO:0015356.

Submission:

Ambry Genetics
Classification: Uncertain significance for Hereditary cancer-predisposing syndrome. Last evaluated: 2024-11-28. Review status: criteria provided, single submitter. Criteria: Ambry Variant Classification Scheme 2023. Collection method: clinical testing. Allele origin: germline.
Comment: The p.M338L variant (also known as c.1012A>T), located in coding exon 4 of the ALK gene, results from an A to T substitution at nucleotide position 1012. The methionine at codon 338 is replaced by leucine, an amino acid with highly similar properties. This amino acid position is conserved. In addition, this alteration is predicted to be tolerated by in silico analysis. Based on the available evidence, the clinical significance of this variant remains unclear.

NM_004304.5(ALK):c.1012A>T (p.Met338Leu)

Gene: ALK (ALK receptor tyrosine kinase; minus strand). Cytogenetic location: 2p23.2.
Variant type: single nucleotide variant.
Coding change: c.1012A>T on transcript NM_004304.5 (MANE Select); coding-DNA position 1012, A replaced by T.
Protein change: p.Met338Leu; replaces methionine 338 with leucine.
Molecular consequence: missense variant.
Genome position (GRCh38, 1-based): chr2:29,532,057, T>A on the plus strand (A>T on the coding strand, the complement: ALK is on the minus strand). VCF-style: chr2-29532057-T-A. GRCh37 (hg19) VCF-style: chr2-29754923-T-A.
Other names: short protein forms M338L.
Identifiers: ClinVar variation 3525304 (VCV003525304.1).